The following is an entry in ClinVar:

ClinVar aggregate classification (germline): Pathogenic (1 of 4 stars; one submission).

gnomAD v4.1: 2 of 1,609,932 alleles (0.00012%); highest among the groups gnomAD compares: African/African-American, 0.0013%; no homozygotes.

Submission:

Labcorp Genetics (formerly Invitae), Labcorp
Classification: Pathogenic. Last evaluated: 2026-01-12. Review status: criteria provided, single submitter. Criteria: Invitae Variant Classification Sherloc (09022015). Collection method: clinical testing. Allele origin: germline.
Comment: This sequence change creates a premature translational stop signal (p.Gln245*) in the RNF168 gene. While this is not anticipated to result in nonsense mediated decay, it is expected to disrupt the last 327 amino acid(s) of the RNF168 protein. This variant is present in population databases (rs771138989, gnomAD 0.0009%). This variant has not been reported in the literature in individuals affected with RNF168-related conditions. ClinVar contains an entry for this variant (Variation ID: 2776100). This variant disrupts a region of the RNF168 protein in which other variant(s) (p.Gln442Lysfs*45) have been determined to be pathogenic (PMID: 17940005, 19203578). This suggests that this is a clinically significant region of the protein, and that variants that disrupt it are likely to be disease-causing. For these reasons, this variant has been classified as Pathogenic.

Literature cited by the submitters: PubMed 17940005; PubMed 19203578.

NM_152617.4(RNF168):c.733C>T (p.Gln245Ter)

Gene: RNF168 (ring finger protein 168; minus strand). Cytogenetic location: 3q29.
Variant type: single nucleotide variant.
Coding change: c.733C>T on transcript NM_152617.4 (MANE Select); coding-DNA position 733, C replaced by T.
Protein change: p.Gln245Ter; replaces glutamine 245 with a stop codon.
Molecular consequence: nonsense.
Genome position (GRCh38, 1-based): chr3:196,475,260, G>A on the plus strand (C>T on the coding strand, the complement: RNF168 is on the minus strand). VCF-style: chr3-196475260-G-A. GRCh37 (hg19) VCF-style: chr3-196202131-G-A.
Other names: short protein forms Q245*.
Identifiers: ClinVar variation 2776100 (VCV002776100.3), dbSNP rs771138989, ClinGen allele CA2780824.